The following is an entry in ClinVar:

NM_000268.3:c.831_832insALU

Gene: NF2 (NF2, moesin-ezrin-radixin like (MERLIN) tumor suppressor; plus strand).
Variant type: Insertion.
Identifiers: ClinVar variation 3231112 (VCV003231112.1).

ClinVar aggregate classification (germline): Uncertain significance (1 of 4 stars; one submission).

Conditions:
Hereditary cancer-predisposing syndrome. Also called: Neoplastic Syndromes, Hereditary; Tumor predisposition; Hereditary neoplastic syndrome; Hereditary Cancer Syndrome. Identifiers: Orphanet 140162, MedGen C0027672, MeSH D009386, MONDO:0015356.

Submission:

Ambry Genetics
Classification: Uncertain significance for Hereditary cancer-predisposing syndrome. Last evaluated: 2023-10-26. Review status: criteria provided, single submitter. Criteria: Ambry Variant Classification Scheme 2023. Collection method: clinical testing. Allele origin: germline.
Comment: The c.831_832insAlu variant results from the insertion of an Alu element between nucleotides 831 and 832 in coding exon 9 of the NF2 gene. Mobile element insertions contribute to pathogenicity by either disrupting the coding sequence or inducing aberrant splicing (Belancio VP et al. Semin. Cancer Biol. 2010 Aug;20:200-10; Deininger P et al. Genome Biol. 2011 Dec;12:236; van der Klift HM Hum Mutat. 2012 Jul;33(7):1051-5). One possible aberrant splice effect would be in-frame and, therefore, not expected to trigger nonsense-mediated mRNAdecay; however, direct evidence is unavailable. The exact functional effect of the altered amino acid sequence is unknown. Since supporting evidence is limited at this time, the clinical significance of this alteration remains unclear.